The following is an entry in ClinVar:

NM_004655.4(AXIN2):c.1998del (p.Asn666fs)

Gene: AXIN2 (axin 2; minus strand). Cytogenetic location: 17q24.1.
Variant type: Deletion.
Coding change: c.1998del on transcript NM_004655.4 (MANE Select); coding-DNA position 1998, one base deleted (C; older notation c.1998delC).
Protein change: p.Asn666fs; shifts the reading frame from asparagine 666.
Molecular consequence: frameshift variant.
Genome position (GRCh38, 1-based): chr17:65,536,463, G deleted on the plus strand (C on the coding strand, the reverse complement: AXIN2 is on the minus strand). VCF-style (leftmost placement, unchanged base first): chr17-65536462-TG-T. GRCh37 (hg19) VCF-style: chr17-63532580-TG-T.
Other names: c.1803del, p.Asn601fs (NM_001363813.1); short protein forms N666fs, N601fs.
Identifiers: ClinVar variation 4721107 (VCV004721107.1).

ClinVar aggregate classification (germline): Pathogenic (1 of 4 stars; one submission).

Conditions:
Oligodontia-cancer predisposition syndrome. Also called: TOOTH AGENESIS-COLORECTAL CANCER SYNDROME. Identifiers: Orphanet 300576, MedGen C1837750, MONDO:0012075, OMIM 608615. Disease mechanism: loss of function.

Submission:

Labcorp Genetics (formerly Invitae), Labcorp
Classification: Pathogenic for Oligodontia-cancer predisposition syndrome. Last evaluated: 2025-06-10. Review status: criteria provided, single submitter. Criteria: Invitae Variant Classification Sherloc (09022015). Collection method: clinical testing. Allele origin: germline.
Comment: This sequence change creates a premature translational stop signal (p.Asn666Lysfs*23) in the AXIN2 gene. It is expected to result in an absent or disrupted protein product. Loss-of-function variants in AXIN2 are known to be pathogenic (PMID: 15042511, 21416598). This variant is not present in population databases (gnomAD no frequency). This variant has not been reported in the literature in individuals affected with AXIN2-related conditions. For these reasons, this variant has been classified as Pathogenic.

Literature cited by the submitters: PubMed 15042511; PubMed 21416598.